The following is an entry in ClinVar:

ClinVar aggregate classification (germline): Uncertain significance (1 of 4 stars; one submission).

Conditions:
Sulfite oxidase deficiency due to molybdenum cofactor deficiency type C. Also called: Molybdenum cofactor deficiency, complementation group C; Molybdenum cofactor deficiency C. Identifiers: Orphanet 308400, Orphanet 833, MedGen C1854990, MONDO:0014212, OMIM 615501.

Submission:

Labcorp Genetics (formerly Invitae), Labcorp
Classification: Uncertain significance for Sulfite oxidase deficiency due to molybdenum cofactor deficiency type C. Last evaluated: 2022-12-15. Review status: criteria provided, single submitter. Criteria: Invitae Variant Classification Sherloc (09022015). Collection method: clinical testing. Allele origin: unknown.
Comment: In summary, the available evidence is currently insufficient to determine the role of this variant in disease. Therefore, it has been classified as a Variant of Uncertain Significance. Experimental studies and prediction algorithms are not available or were not evaluated, and the functional significance of this variant is currently unknown. This variant has not been reported in the literature in individuals affected with GPHN-related conditions. This variant is a gross deletion of the genomic region encompassing exon(s) 22-23 of the GPHN gene, which includes the termination codon. This deletion extends beyond the assayed region for this gene and therefore may encompass additional genes. While this deletion is not anticipated to lead to nonsense mediated decay, it is expected to alter mRNA translation or result in a truncated protein product.

NC_000014.8:g.(?_67646275)_(67647654_?)del

Gene: GPHN (gephyrin; plus strand). Cytogenetic location: 14q23.3.
Variant type: Deletion.
Identifiers: ClinVar variation 3243990 (VCV003243990.1).